The following is an entry in ClinVar:

ClinVar aggregate classification (germline): Conflicting classifications of pathogenicity. Review status: criteria provided, conflicting classifications (1 of 4 stars). 9 submissions from 9 submitters: Uncertain significance (2); Likely benign (4). 3 of the submissions do not count toward it. Last evaluated 2026-09-01.

Conditions:
Cardiovascular phenotype. Identifiers: MedGen CN230736.
Dilated cardiomyopathy 1JJ (CMD1JJ). Identifiers: Orphanet 154, MedGen C3808935, MONDO:0014095, OMIM 615235.
Wolff-Parkinson-White pattern. Also called: WPW SYNDROME; Auriculoventricular accessory pathway syndrome; False bundle branch block syndrome; Anomalous ventricular excitation syndrome. Identifiers: MedGen C0043202, MONDO:0008685, OMIM 194200, HP:0001716.

Allele frequency attached by ClinVar (database versions not stated): gnomAD exomes 0.00005 and 0.00008; ExAC 0.00008; ESP Exome Variant Server 0.00046; TOPMed 0.00046; gnomAD 0.00047 and 0.00051.
gnomAD v4.1: 137 of 1,613,886 alleles (0.0085%); highest among the groups gnomAD compares: African/African-American, 0.17%; no homozygotes.

Submissions (9):

GeneDx
Classification: Uncertain significance. Last evaluated: 2026-09-01. Review status: criteria provided, single submitter. Criteria: GeneDx Variant Classification Process June 2021. Collection method: clinical testing. Allele origin: germline.
Comment: Reported in one individual from a cohort of individuals not selected for cardiomyopathy, arrhythmia, or family history of sudden cardiac death, who underwent exome sequencing (PMID: 23861362); In silico analysis supports that this missense variant has a deleterious effect on protein structure/function; This variant is associated with the following publications: (PMID: 32233023, 23861362)

Labcorp Genetics (formerly Invitae), Labcorp
Classification: Likely benign for Dilated cardiomyopathy 1JJ. Last evaluated: 2026-01-18. Review status: criteria provided, single submitter. Criteria: Invitae Variant Classification Sherloc (09022015). Collection method: clinical testing. Allele origin: germline.

Women's Health and Genetics/Laboratory Corporation of America, LabCorp
Classification: Likely benign. Last evaluated: 2025-09-15. Review status: criteria provided, single submitter. Criteria: LabCorp Variant Classification Summary - May 2015. Collection method: clinical testing. Allele origin: germline.

Ambry Genetics
Classification: Likely benign for Cardiovascular phenotype. Last evaluated: 2023-01-26. Review status: criteria provided, single submitter. Criteria: Ambry Variant Classification Scheme 2023. Collection method: clinical testing. Allele origin: germline.

Clinical Genetics DNA and cytogenetics Diagnostics Lab, Erasmus MC, Erasmus Medical Center
Classification: Uncertain significance for Dilated cardiomyopathy 1JJ. Last evaluated: 2017-05-31. Review status: criteria provided, single submitter. Criteria: ACGS Guidelines, 2013. Collection method: clinical testing. Allele origin: germline. Affected: yes. Study: VKGL Data-share Consensus.

Biesecker Lab/Clinical Genomics Section, National Institutes of Health
Classification: Likely benign. Last evaluated: 2013-06-24. Review status: criteria provided, single submitter. Criteria: Ng et al. (Circ Cardiovasc Genet. 2013). Collection method: research. Allele origin: unknown. Observed: 1 variant allele. Study: ClinSeq.
Comment: The study set was not selected for affection status in relation to any cancer. Pathogenicity categories were based on literature curation. See Pubmed ID:23861362 for details.

Medical sequencing

Lupski Lab, Baylor-Hopkins CMG, Baylor College of Medicine
Classification: Uncertain significance for Wolff-Parkinson-White pattern. Last evaluated: 2017-07-14. Review status: no assertion criteria provided. Collection method: research. Allele origin: unknown. Affected: yes. Observed: 1 variant allele. Study: Candidate_variants_in_patients_with_ Wolff-Parkinson-White Syndrome. Not counted in ClinVar's aggregate classification.

Clinical Genetics, Academic Medical Center
Classification: Uncertain significance. Review status: no assertion criteria provided. Collection method: clinical testing. Allele origin: germline. Affected: yes. Study: VKGL Data-share Consensus. Not counted in ClinVar's aggregate classification.

Diagnostic Laboratory, Department of Genetics, University Medical Center Groningen
Classification: Uncertain significance for Dilated cardiomyopathy 1JJ. Review status: no assertion criteria provided. Collection method: clinical testing. Allele origin: germline. Affected: yes. Study: VKGL Data-share Consensus. Not counted in ClinVar's aggregate classification.

Literature cited by the submitters: PubMed 23861362 (cited by Ambry Genetics); PubMed 30847666 (cited by Ambry Genetics).

NM_001105206.3(LAMA4):c.2398C>T (p.Arg800Cys)

Gene: LAMA4 (laminin subunit alpha 4; minus strand). Cytogenetic location: 6q21.
Variant type: single nucleotide variant.
Coding change: c.2398C>T on transcript NM_001105206.3 (MANE Select); coding-DNA position 2398, C replaced by T.
Protein change: p.Arg800Cys; replaces arginine 800 with cysteine.
Molecular consequence: missense variant.
Genome position (GRCh38, 1-based): chr6:112,144,889, G>A on the plus strand (C>T on the coding strand, the complement: LAMA4 is on the minus strand). VCF-style: chr6-112144889-G-A. GRCh37 (hg19) VCF-style: chr6-112466091-G-A.
Other names: c.2377C>T (LRG_433t2); c.2377C>T, p.Arg793Cys (NM_001105207.3, NM_002290.5); short protein forms R793C, R800C.
Identifiers: ClinVar variation 192119 (VCV000192119.24), dbSNP rs202184174, ClinGen allele CA238393.